The following is an entry in ClinVar:

ClinVar aggregate classification (germline): Uncertain significance (1 of 4 stars; one submission).

Conditions:
Inborn genetic diseases. Identifiers: MedGen C0950123, MeSH D030342.

Allele frequency attached by ClinVar (database versions not stated): gnomAD exomes below 0.00001; ExAC 0.00001; gnomAD 0.00002; TOPMed 0.00002.

Submission:

Ambry Genetics
Classification: Uncertain significance for Inborn genetic diseases. Last evaluated: 2024-07-13. Review status: criteria provided, single submitter. Criteria: Ambry Variant Classification Scheme 2023. Collection method: clinical testing. Allele origin: germline.
Comment: The p.S2032T variant (also known as c.6094T>A), located in coding exon 41 of the LRRK2 gene, results from a T to A substitution at nucleotide position 6094. The serine at codon 2032 is replaced by threonine, an amino acid with similar properties. This amino acid position is conserved. In addition, this alteration is predicted to be tolerated by in silico analysis. Since supporting evidence is limited at this time, the clinical significance of this alteration remains unclear.

NM_198578.4(LRRK2):c.6094T>A (p.Ser2032Thr)

Gene: LRRK2 (leucine rich repeat kinase 2; plus strand). Cytogenetic location: 12q12.
Variant type: single nucleotide variant.
Coding change: c.6094T>A on transcript NM_198578.4 (MANE Select); coding-DNA position 6094, T replaced by A.
Protein change: p.Ser2032Thr; replaces serine 2032 with threonine.
Molecular consequence: missense variant.
Genome position (GRCh38, 1-based): chr12:40,340,439, T>A. VCF-style: chr12-40340439-T-A. GRCh37 (hg19) VCF-style: chr12-40734241-T-A.
Other names: short protein forms S2032T.
Identifiers: ClinVar variation 1751524 (VCV001751524.3), dbSNP rs777004444, ClinGen allele CA6514601.